The following is an entry in ClinVar:

NM_015338.6(ASXL1):c.3376C>T (p.His1126Tyr)

Gene: ASXL1 (ASXL transcriptional regulator 1; plus strand). Cytogenetic location: 20q11.21.
Variant type: single nucleotide variant.
Coding change: c.3376C>T on transcript NM_015338.6 (MANE Select); coding-DNA position 3376, C replaced by T.
Protein change: p.His1126Tyr; replaces histidine 1126 with tyrosine.
Molecular consequence: missense variant.
Genome position (GRCh38, 1-based): chr20:32,436,088, C>T. VCF-style: chr20-32436088-C-T. GRCh37 (hg19) VCF-style: chr20-31023891-C-T.
Other names: c.3193C>T, p.His1065Tyr (NM_001363734.1); short protein forms H1126Y, H1065Y.
Identifiers: ClinVar variation 4705423 (VCV004705423.1).
Genomic context (GRCh38, chr20:32,436,088, plus strand): 5'-CCACTTGTGATGCAGTTGCTGCAGGGTAGCTTGCCCCTAGAGAAGGTTCTTCCACCAGCC[C>T]ACGATGACAGCATGTCAGAATCCCCACAAGTACCACTTACAAAAGACCAGAGCCATGGCT-3'
Protein context (NP_056153.2, residues 1116-1136): LPLEKVLPPA[His1126Tyr]DDSMSESPQV

ClinVar aggregate classification (germline): Uncertain significance (1 of 4 stars; one submission).

gnomAD v4.1: 9 of 1,614,048 alleles (0.00056%); highest among the groups gnomAD compares: East Asian, 0.0067%; no homozygotes.

Submission:

Labcorp Genetics (formerly Invitae), Labcorp
Classification: Uncertain significance. Last evaluated: 2026-01-19. Review status: criteria provided, single submitter. Criteria: Invitae Variant Classification Sherloc (09022015). Collection method: clinical testing. Allele origin: germline.
Comment: This sequence change replaces histidine, which is basic and polar, with tyrosine, which is neutral and polar, at codon 1126 of the ASXL1 protein (p.His1126Tyr). This variant is present in population databases (rs746797164, gnomAD 0.002%). This variant has not been reported in the literature in individuals affected with ASXL1-related conditions. An algorithm developed to predict the effect of missense changes on protein structure and function (PolyPhen-2) suggests that this variant is likely to be tolerated. In summary, the available evidence is currently insufficient to determine the role of this variant in disease. Therefore, it has been classified as a Variant of Uncertain Significance.